The following is an entry in ClinVar:

ClinVar aggregate classification (germline): Uncertain significance (1 of 4 stars; one submission).

Submission:

Labcorp Genetics (formerly Invitae), Labcorp
Classification: Uncertain significance. Last evaluated: 2024-10-23. Review status: criteria provided, single submitter. Criteria: Invitae Variant Classification Sherloc (09022015). Collection method: clinical testing. Allele origin: germline.
Comment: This sequence change replaces glutamine, which is neutral and polar, with glutamic acid, which is acidic and polar, at codon 196 of the SETD5 protein (p.Gln196Glu). This variant is not present in population databases (gnomAD no frequency). This variant has not been reported in the literature in individuals affected with SETD5-related conditions. Invitae Evidence Modeling of protein sequence and biophysical properties (such as structural, functional, and spatial information, amino acid conservation, physicochemical variation, residue mobility, and thermodynamic stability) indicates that this missense variant is not expected to disrupt SETD5 protein function with a negative predictive value of 80%. In summary, the available evidence is currently insufficient to determine the role of this variant in disease. Therefore, it has been classified as a Variant of Uncertain Significance.

NM_001080517.3(SETD5):c.586C>G (p.Gln196Glu)

Gene: SETD5 (SET domain containing 5; plus strand). Cytogenetic location: 3p25.3.
Variant type: single nucleotide variant.
Coding change: c.586C>G on transcript NM_001080517.3 (MANE Select); coding-DNA position 586, C replaced by G.
Protein change: p.Gln196Glu; replaces glutamine 196 with glutamic acid.
Molecular consequence: missense variant.
Genome position (GRCh38, 1-based): chr3:9,440,474, C>G. VCF-style: chr3-9440474-C-G. GRCh37 (hg19) VCF-style: chr3-9482158-C-G.
Other names: c.292C>G, p.Gln98Glu (NM_001292043.2, NM_001349451.2); short protein forms Q196E, Q98E.
Identifiers: ClinVar variation 2800907 (VCV002800907.3), dbSNP rs1559413463, ClinGen allele CA351686953.
Genomic context (GRCh38, chr3:9,440,474, plus strand): 5'-ATGCATGGACTTTACTAACCTCCCTGAATTTGTTTTCTACAGAATTCTCCCTCTGAAGCA[C>G]AGAATTTAGATGAGAATACAACTGAGGGCTGGGAAAATCGGATAAGACTATGGACTGACC-3'
Protein context (NP_001073986.1, residues 186-206): KKIKNSPSEA[Gln196Glu]NLDENTTEGW